The following is an entry in ClinVar:

ClinVar aggregate classification (germline): Uncertain significance (1 of 4 stars; one submission).

Conditions:
SIM1-related disorder. Also called: SIM1-related disorders; SIM1-related condition.

Submission:

PreventionGenetics, part of Exact Sciences
Classification: Uncertain significance for SIM1-related condition. Last evaluated: 2024-10-10. Review status: criteria provided, single submitter. Criteria: ACMG Guidelines, 2015. Collection method: clinical testing. Allele origin: germline.
Comment: The SIM1 c.273C>A variant is predicted to result in the amino acid substitution p.Phe91Leu. To our knowledge, this variant has not been reported in the literature or in a large population database (gnomAD), indicating this variant is rare. At this time, the clinical significance of this variant is uncertain due to the absence of conclusive functional and genetic evidence.

NM_005068.3(SIM1):c.273C>A (p.Phe91Leu)

Gene: SIM1 (SIM bHLH transcription factor 1; minus strand). Cytogenetic location: 6q16.3.
Variant type: single nucleotide variant.
Coding change: c.273C>A on transcript NM_005068.3 (MANE Select); coding-DNA position 273, C replaced by A.
Protein change: p.Phe91Leu; replaces phenylalanine 91 with leucine.
Molecular consequence: missense variant.
Genome position (GRCh38, 1-based): chr6:100,450,342, G>T on the plus strand (C>A on the coding strand, the complement: SIM1 is on the minus strand). VCF-style: chr6-100450342-G-T. GRCh37 (hg19) VCF-style: chr6-100898218-G-T.
Other names: c.273C>A, p.Phe91Leu (NM_001374769.1); short protein forms F91L.
Identifiers: ClinVar variation 5000634 (VCV005000634.1).